The following is an entry in ClinVar:

NM_001324418.2(ADAM22):c.95C>T (p.Ser32Leu)

Gene: ADAM22 (ADAM metallopeptidase domain 22; plus strand). Cytogenetic location: 7q21.12.
Variant type: single nucleotide variant.
Coding change: c.95C>T on transcript NM_001324418.2 (MANE Select); coding-DNA position 95, C replaced by T.
Protein change: p.Ser32Leu; replaces serine 32 with leucine.
Molecular consequence: missense variant.
Genome position (GRCh38, 1-based): chr7:87,935,035, C>T. VCF-style: chr7-87935035-C-T. GRCh37 (hg19) VCF-style: chr7-87564350-C-T.
Other names: c.92C>T, p.Ser31Leu (NM_001324417.2, NM_001324419.2, NM_001391978.1 and 2 more transcripts); c.95C>T, p.Ser32Leu (NM_001324420.2, NM_001324421.2, NM_001391975.1 and 9 more transcripts); short protein forms S31L, S32L.
Identifiers: ClinVar variation 2579021 (VCV002579021.25), dbSNP rs373421461, ClinGen allele CA4330076.
Genomic context (GRCh38, chr7:87,935,035, plus strand): 5'-TTATTTTCGCCTTTTCTCTCCACTCCCTCCTTTCCCGGTTCCTGCCTGGAGGAGACGCCT[C>T]ATTGATGGAGCTAGAGAAGAGGAAGGAAAACCGCTTCGTGGAGCGCCAGAGCATCGTGCC-3'
Protein context (NP_001311347.1, residues 22-42): PARCGQAGDA[Ser32Leu]LMELEKRKEN

ClinVar aggregate classification (germline): Likely benign (1 of 4 stars; one submission).

Allele frequency attached by ClinVar (database versions not stated): ExAC 0.00005; gnomAD exomes 0.00006; TOPMed 0.00006; gnomAD 0.00008; ESP Exome Variant Server 0.00016.
gnomAD v4.1: 97 of 1,614,048 alleles (0.006%); highest among the groups gnomAD compares: Non-Finnish European, 0.0072%; no homozygotes.

Submission:

CeGaT Center for Human Genetics Tuebingen
Classification: Likely benign. Last evaluated: 2023-07-01. Review status: criteria provided, single submitter. Criteria: CeGaT Center For Human Genetics Tuebingen Variant Classification Criteria Version 2. Collection method: clinical testing. Allele origin: germline. Affected: yes. Observed: 1 variant allele.
Comment: ADAM22: BP4